The following is an entry in ClinVar:

ClinVar aggregate classification (germline): Uncertain significance. Review status: criteria provided, multiple submitters, no conflicts (2 of 4 stars). 2 submissions from 2 submitters: Uncertain significance (2). Last evaluated 2022-08-16.

Conditions:
Breast-ovarian cancer, familial, susceptibility to, 4. Identifiers: Orphanet 145, MedGen C3280345, MONDO:0013669, OMIM 614291.

Allele frequency attached by ClinVar (database versions not stated): gnomAD exomes below 0.00001.
gnomAD v4.1: 3 of 1,612,098 alleles (0.00019%); highest among the groups gnomAD compares: Non-Finnish European, 0.00025%; no homozygotes.

Submissions (2):

Labcorp Genetics (formerly Invitae), Labcorp
Classification: Uncertain significance for Breast-ovarian cancer, familial, susceptibility to, 4. Last evaluated: 2022-08-16. Review status: criteria provided, single submitter. Criteria: Invitae Variant Classification Sherloc (09022015). Collection method: clinical testing. Allele origin: germline.
Comment: In summary, the available evidence is currently insufficient to determine the role of this variant in disease. Therefore, it has been classified as a Variant of Uncertain Significance. Algorithms developed to predict the effect of missense changes on protein structure and function are either unavailable or do not agree on the potential impact of this missense change (SIFT: "Deleterious"; PolyPhen-2: "Probably Damaging"; Align-GVGD: "Class C0"). ClinVar contains an entry for this variant (Variation ID: 422649). This variant has not been reported in the literature in individuals affected with RAD51D-related conditions. This variant is not present in population databases (gnomAD no frequency). This sequence change replaces glycine, which is neutral and non-polar, with arginine, which is basic and polar, at codon 7 of the RAD51D protein (p.Gly7Arg).

GeneDx
Classification: Uncertain significance. Last evaluated: 2016-10-31. Review status: criteria provided, single submitter. Criteria: GeneDx Variant Classification (06012015). Collection method: clinical testing. Allele origin: germline. Affected: yes.
Comment: This variant is denoted RAD51D c.19G>C at the cDNA level, p.Gly7Arg (G7R) at the protein level, and results in the change of a Glycine to an Arginine (GGA>CGA). This variant has not, to our knowledge, been published in the literature as pathogenic or benign. RAD51D Gly7Arg was not observed in approximately 6,500 individuals of European and African American ancestry in the NHLBI Exome Sequencing Project, suggesting it is not a common benign variant in these populations. Since Glycine and Arginine differ in polarity, charge, size or other properties, this is considered a non-conservative amino acid substitution. RAD51D Gly7Arg occurs at a position where amino acids with properties similar to Glycine are tolerated across species and is located in the XRCC2 and single-stranded DNA binding domains (Miller 2004, Kim 2011). In silico analyses predict that this variant is probably damaging to protein structure and function. Based on currently available evidence, it is unclear whether RAD51D Gly7Arg is a pathogenic or benign variant. We consider it to be a variant of uncertain significance.

NM_002878.4(RAD51D):c.19G>C (p.Gly7Arg)

Genes: RAD51L3-RFFL (RAD51L3-RFFL readthrough; minus strand), RAD51D (RAD51 paralog D; minus strand). Cytogenetic location: 17q12.
Variant type: single nucleotide variant.
Coding change: c.19G>C on transcript NM_002878.4 (MANE Select); coding-DNA position 19, G replaced by C.
Protein change: p.Gly7Arg; replaces glycine 7 with arginine.
Molecular consequence: missense variant. On other transcripts: non-coding transcript variant (2).
Genome position (GRCh38, 1-based): chr17:35,119,595, C>G on the plus strand (G>C on the coding strand, the complement: RAD51D is on the minus strand). VCF-style: chr17-35119595-C-G. GRCh37 (hg19) VCF-style: chr17-33446614-C-G.
Other names: c.19G>C, p.Gly7Arg (NM_001142571.2, NM_133629.3); short protein forms G7R.
Identifiers: ClinVar variation 422649 (VCV000422649.10), dbSNP rs1064795913, ClinGen allele CA16620395.